The following is an entry in ClinVar:

ClinVar aggregate classification (germline): Pathogenic. Review status: reviewed by expert panel (3 of 4 stars). 2 submissions from 2 submitters: Pathogenic (1). 1 of the submissions does not count toward it. Last evaluated 2017-12-15.

Conditions:
Familial cancer of breast. Also called: BREAST CANCER, FAMILIAL; Hereditary breast cancer; hereditary breast carcinoma. Identifiers: Orphanet 227535, MedGen C0346153, MONDO:0016419, OMIM 114480. Disease mechanism: loss of function.
Breast-ovarian cancer, familial, susceptibility to, 2 (BROVCA2). Also called: BRCA2 Hereditary Breast and Ovarian Cancer. Identifiers: Orphanet 145, MedGen C2675520, MONDO:0012933, OMIM 612555. Disease mechanism: loss of function.

Submissions (2):

Evidence-based Network for the Interpretation of Germline Mutant Alleles (ENIGMA)
Classification: Pathogenic for Breast-ovarian cancer, familial, susceptibility to, 2. Last evaluated: 2017-12-15. Review status: reviewed by expert panel. Criteria: ENIGMA BRCA1/2 Classification Criteria (2017-06-29). Collection method: curation. Allele origin: germline. Study: ENIGMA.
Comment: Variant allele predicted to encode a truncated non-functional protein.

ClinVar Staff, National Center for Biotechnology Information (NCBI)
No classification provided. Condition: Familial cancer of breast. Review status: no classification provided. Collection method: literature only. Allele origin: germline. Affected: yes. Not counted in ClinVar's aggregate classification.

Literature cited by the submitters: PubMed 12402332 (cited by ClinVar Staff, National Center for Biotechnology Information (NCBI)).

NM_000059.4(BRCA2):c.8331_8332del (p.Lys2777fs)

Gene: BRCA2 (BRCA2 DNA repair associated; plus strand). Cytogenetic location: 13q13.1.
Variant type: Deletion.
Coding change: c.8331_8332del on transcript NM_000059.4 (MANE Select); coding-DNA positions 8331 to 8332, 2 bases deleted (AG; older notation c.8331_8332delAG).
Protein change: p.Lys2777fs; shifts the reading frame from lysine 2777.
Molecular consequence: frameshift variant.
Genome position (GRCh38, 1-based): chr13:32,363,532-32,363,533, AG deleted. VCF-style (leftmost placement, unchanged base first): chr13-32363531-AAG-A. GRCh37 (hg19) VCF-style: chr13-32937668-AAG-A.
Other names: c.8330_8331delAG (NM_000059.3); short protein forms K2777fs.
Identifiers: ClinVar variation 52549 (VCV000052549.2), dbSNP rs397507978, ClinGen allele CA025576.